The following is an entry in ClinVar:

NM_004415.4(DSP):c.1396C>T (p.Leu466Phe)

Gene: DSP (desmoplakin; plus strand). Cytogenetic location: 6p24.3.
Variant type: single nucleotide variant.
Coding change: c.1396C>T on transcript NM_004415.4 (MANE Select); coding-DNA position 1396, C replaced by T.
Protein change: p.Leu466Phe; replaces leucine 466 with phenylalanine.
Molecular consequence: missense variant.
Genome position (GRCh38, 1-based): chr6:7,568,566, C>T. VCF-style: chr6-7568566-C-T. GRCh37 (hg19) VCF-style: chr6-7568799-C-T.
Other names: c.1396C>T, p.Leu466Phe (NM_001008844.3, NM_001319034.2, NM_001406591.1); short protein forms L466F.
Identifiers: ClinVar variation 2933338 (VCV002933338.3), dbSNP rs2533884560, ClinGen allele CA362676736.
Genomic context (GRCh38, chr6:7,568,566, plus strand): 5'-GTACAGCTGAAGCCTCGTAACCCAGACTACAGAAGCAATAAACCCATTATTCTCAGAGCT[C>T]TCTGTGACTACAAACAAGATCAGGTGTGTACTCATTTAGAATGATACAAAAGTTTTCCCT-3'
Protein context (NP_004406.2, residues 456-476): RSNKPIILRA[Leu466Phe]CDYKQDQKIV

ClinVar aggregate classification (germline): Uncertain significance (1 of 4 stars; one submission).

Conditions:
Arrhythmogenic cardiomyopathy with wooly hair and keratoderma. Also called: PALMOPLANTAR KERATODERMA WITH LEFT VENTRICULAR CARDIOMYOPATHY AND WOOLLY HAIR; Carvajal syndrome; Arrhythmogenic cardiomyopathy with woolly hair and keratoderma; Dilated cardiomyopathy with woolly hair and keratoderma. Identifiers: Orphanet 65282, MedGen C1854063, MONDO:0011581, OMIM 605676.
Arrhythmogenic right ventricular dysplasia 8 (ARVD8). Also called: Arrhythmogenic Right Ventricular Dysplasia/Cardiomyopathy 8; ARRHYTHMOGENIC RIGHT VENTRICULAR DYSPLASIA, FAMILIAL, 8; ARRHYTHMOGENIC RIGHT VENTRICULAR CARDIOMYOPATHY 8. Identifiers: MedGen C1843896, MONDO:0011831, OMIM 607450.

Submission:

Labcorp Genetics (formerly Invitae), Labcorp
Classification: Uncertain significance for Arrhythmogenic cardiomyopathy with wooly hair and keratoderma; Arrhythmogenic right ventricular dysplasia 8. Last evaluated: 2023-05-14. Review status: criteria provided, single submitter. Criteria: Invitae Variant Classification Sherloc (09022015). Collection method: clinical testing. Allele origin: germline.
Comment: In summary, the available evidence is currently insufficient to determine the role of this variant in disease. Therefore, it has been classified as a Variant of Uncertain Significance. An algorithm developed to predict the effect of missense changes on protein structure and function (PolyPhen-2) suggests that this variant is likely to be disruptive. This missense change has been observed in individual(s) with autosomal dominant DSP-related condition (PMID: 32356610). This variant is not present in population databases (gnomAD no frequency). This sequence change replaces leucine, which is neutral and non-polar, with phenylalanine, which is neutral and non-polar, at codon 466 of the DSP protein (p.Leu466Phe).

Literature cited by the submitters: PubMed 32356610.